The following is an entry in ClinVar:

NM_001378454.1(ALMS1):c.9754_9755insCTC (p.Gln3251_Gln3252insPro)

Gene: ALMS1 (ALMS1 centrosome and basal body associated protein; plus strand). Cytogenetic location: 2p13.1.
Variant type: Insertion.
Coding change: c.9754_9755insCTC on transcript NM_001378454.1 (MANE Select); coding-DNA positions 9754 to 9755, CTC inserted.
Protein change: p.Gln3251_Gln3252insPro.
Molecular consequence: inframe insertion.
Genome position: GRCh38 VCF-style: chr2-73519988-A-ACCT. GRCh37 (hg19) VCF-style: chr2-73747115-A-ACCT.
Other names: c.9757_9758insCTC, p.Gln3252_Gln3253insPro (NM_015120.4).
Identifiers: ClinVar variation 553362 (VCV000553362.5), dbSNP rs766127195, ClinGen allele CA1714753.
Genomic context (GRCh38, chr2:73,519,988, plus strand): 5'-GCCTGGTAACCAGAAGCTACGCAAAGCTCCTGTCAAGTTTGCCTCATCATCTTCAGTCCA[A>ACCT]CAGGTTACTTTTTCTCGCGGCACAGATGGTAAGAGAATGTGATTGCATTTTAGATTGTTA-3'

ClinVar aggregate classification (germline): Uncertain significance. Review status: criteria provided, multiple submitters, no conflicts (2 of 4 stars). 3 submissions from 3 submitters: Uncertain significance (2). 1 of the submissions does not count toward it. Last evaluated 2022-01-11.

Conditions:
Alstrom syndrome (ALMS). Identifiers: Orphanet 64, MedGen C0268425, MONDO:0008763, OMIM 203800.

Submissions (3):

Labcorp Genetics (formerly Invitae), Labcorp
Classification: Uncertain significance for Alstrom syndrome. Last evaluated: 2022-01-11. Review status: criteria provided, single submitter. Criteria: Invitae Variant Classification Sherloc (09022015). Collection method: clinical testing. Allele origin: germline.
Comment: In summary, the available evidence is currently insufficient to determine the role of this variant in disease. Therefore, it has been classified as a Variant of Uncertain Significance. Experimental studies and prediction algorithms are not available or were not evaluated, and the functional significance of this variant is currently unknown. ClinVar contains an entry for this variant (Variation ID: 553362). This variant has not been reported in the literature in individuals affected with ALMS1-related conditions. This variant is present in population databases (rs766127195, gnomAD 0.006%). This variant, c.9757_9758insCTC, results in the insertion of 1 amino acid(s) of the ALMS1 protein (p.Gln3252_Gln3253insPro), but otherwise preserves the integrity of the reading frame.

Blueprint Genetics
Classification: Uncertain significance. Last evaluated: 2021-05-07. Review status: criteria provided, single submitter. Criteria: ACMG Guidelines, 2015. Collection method: clinical testing. Allele origin: germline.

Counsyl
Classification: Uncertain significance for Alstrom syndrome. Last evaluated: 2017-08-16. Review status: no assertion criteria provided. Collection method: clinical testing. Allele origin: unknown. Not counted in ClinVar's aggregate classification.